The following is an entry in ClinVar:

NM_000038.6(APC):c.3904del (p.Leu1302fs)

Gene: APC (APC regulator of Wnt signaling pathway; plus strand). Cytogenetic location: 5q22.2.
Variant type: Deletion.
Coding change: c.3904del on transcript NM_000038.6 (MANE Select); coding-DNA position 3904, one base deleted (C; older notation c.3904delC).
Protein change: p.Leu1302fs; shifts the reading frame from leucine 1302.
Molecular consequence: frameshift variant.
Genome position (GRCh38, 1-based): chr5:112,839,498, C deleted; the last of 3 consecutive C bases (chr5:112,839,496-112,839,498); deleting any one gives the same sequence. VCF-style (leftmost placement, unchanged base first): chr5-112839495-AC-A. GRCh37 (hg19) VCF-style: chr5-112175192-AC-A.
Other names: c.3904del, p.Leu1302fs (NM_001127510.3, NM_001354895.2); c.3850del, p.Leu1284fs (NM_001127511.3); c.3958del, p.Leu1320fs (NM_001354896.2); c.3934del, p.Leu1312fs (NM_001354897.2); c.3829del, p.Leu1277fs (NM_001354898.2); c.3820del, p.Leu1274fs (NM_001354899.2); c.3781del, p.Leu1261fs (NM_001354900.2); c.3727del, p.Leu1243fs (NM_001354901.2); and 5 more; short protein forms L1019fs, L1176fs, L1274fs, L1284fs, L1312fs, L1201fs, L1211fs, L1320fs.
Identifiers: ClinVar variation 419687 (VCV000419687.11), dbSNP rs1064794042, ClinGen allele CA16618083.
Genomic context (GRCh38, chr5:112,839,495, plus strand): 5'-TCATCAGCTGAAGATGAAATAGGATGTAATCAGACGACACAGGAAGCAGATTCTGCTAAT[AC>A]CCTGCAAATAGCAGAAATAAAAGAAAAGATTGGAACTAGGTCAGCTGAAGATCCTGTGAG-3'

ClinVar aggregate classification (germline): Pathogenic. Review status: criteria provided, multiple submitters, no conflicts (2 of 4 stars). 3 submissions from 3 submitters: Pathogenic (3). Last evaluated 2025-10-23.

Conditions:
Familial adenomatous polyposis 1 (FAP1). Also called: FAMILIAL ADENOMATOUS POLYPOSIS 1, ATTENUATED; POLYPOSIS, ADENOMATOUS INTESTINAL. Identifiers: MedGen C2713442, MONDO:0021056, OMIM 175100. Disease mechanism: loss of function.

Submissions (3):

Labcorp Genetics (formerly Invitae), Labcorp
Classification: Pathogenic for Familial adenomatous polyposis 1. Last evaluated: 2025-10-23. Review status: criteria provided, single submitter. Criteria: Invitae Variant Classification Sherloc (09022015). Collection method: clinical testing. Allele origin: germline.
Comment: This sequence change creates a premature translational stop signal (p.Leu1302Cysfs*3) in the APC gene. While this is not anticipated to result in nonsense mediated decay, it is expected to disrupt the last 1542 amino acid(s) of the APC protein. This variant is not present in population databases (gnomAD no frequency). This premature translational stop signal has been observed in individual(s) with clinical features of familial adenomatous polyposis (PMID: 20685668). ClinVar contains an entry for this variant (Variation ID: 419687). This variant is expected to disrupt the EB1 and HDLG binding sites, which mediate interactions with the cytoskeleton (PMID: 15311282, 17293347). While functional studies have not been performed to directly test the effect on APC protein function, this suggests that disruption of the C-terminal portion of the protein is functionally important. A different truncation (p.Tyr2645Lysfs*14) that lies downstream of this variant has been determined to be pathogenic (PMID: 9824584, 1316610, 27081525, 8381579, 22135120, internal data). This suggests that deletion of this region of the APC protein is causative of disease. For these reasons, this variant has been classified as Pathogenic.

Myriad Genetics, Inc.
Classification: Pathogenic for Familial adenomatous polyposis 1. Last evaluated: 2023-05-09. Review status: criteria provided, single submitter. Criteria: Myriad Autosomal Dominant, Autosomal Recessive and X-Linked Classification Criteria (2023). Collection method: clinical testing. Allele origin: unknown.
Comment: This variant is considered pathogenic. This variant creates a frameshift predicted to result in premature protein truncation.

GeneDx
Classification: Pathogenic. Last evaluated: 2015-08-19. Review status: criteria provided, single submitter. Criteria: GeneDx Variant Classification (06012015). Collection method: clinical testing. Allele origin: germline. Affected: yes.
Comment: This deletion of one nucleotide in APC is denoted c.3904delC at the cDNA level and p.Leu1302CysfsX3 (L1302CfsX3) at the protein level. The normal sequence, with the base that is deleted in braces, is TACC[C]TGCA. The deletion causes a frameshift, which changes a Leucine to a Cysteine at codon 1302, and creates a premature stop codon at position 3 of the new reading frame. Even though this frameshift occurs in the last exon of the gene, it is significant since the last 1542 correct amino acids are replaced by 2 incorrect ones. This variant is predicted to cause loss of normal protein function through protein truncation. APC c.3904delC has been observed in at least two individuals with Familial Adenomatous Polyposis (Lagarde 2010). we consider this variant to be pathogenic.

Literature cited by the submitters: PubMed 20685668 (cited by Labcorp Genetics (formerly Invitae), Labcorp); PubMed 15311282 (cited by Labcorp Genetics (formerly Invitae), Labcorp); PubMed 17293347 (cited by Labcorp Genetics (formerly Invitae), Labcorp); PubMed 9824584 (cited by Labcorp Genetics (formerly Invitae), Labcorp); PubMed 1316610 (cited by Labcorp Genetics (formerly Invitae), Labcorp); PubMed 27081525 (cited by Labcorp Genetics (formerly Invitae), Labcorp); PubMed 8381579 (cited by Labcorp Genetics (formerly Invitae), Labcorp); PubMed 22135120 (cited by Labcorp Genetics (formerly Invitae), Labcorp).